The following is an entry in ClinVar:

NM_000053.4(ATP7B):c.2576-7C>T

Gene: ATP7B (ATPase copper transporting beta; minus strand). Cytogenetic location: 13q14.3.
Variant type: single nucleotide variant.
Coding change: c.2576-7C>T on transcript NM_000053.4 (MANE Select); 7 bases into the intron before coding-DNA position 2576, C replaced by T.
Molecular consequence: intron variant.
Genome position (GRCh38, 1-based): chr13:51,950,168, G>A on the plus strand (C>T on the coding strand, the complement: ATP7B is on the minus strand). VCF-style: chr13-51950168-G-A. GRCh37 (hg19) VCF-style: chr13-52524304-G-A.
Other names: c.2243-7C>T (NM_001243182.2); c.2090-7C>T (NM_001005918.3); c.2324-7C>T (NM_001330579.2); c.2342-7C>T (NM_001330578.2).
Identifiers: ClinVar variation 1092089 (VCV001092089.10), dbSNP rs373160461, ClinGen allele CA6988955.

ClinVar aggregate classification (germline): Likely benign. Review status: criteria provided, multiple submitters, no conflicts (2 of 4 stars). 2 submissions from 2 submitters: Likely benign (2). Last evaluated 2025-12-21.

Conditions:
Wilson disease (WND). Also called: Wilson's disease. Identifiers: Orphanet 905, MedGen C0019202, MONDO:0010200, OMIM 277900. Disease mechanism: loss of function.

Allele frequency attached by ClinVar (database versions not stated): gnomAD 0.00001; gnomAD exomes 0.00001 and 0.00002; TOPMed 0.00001; ExAC 0.00002; ESP Exome Variant Server 0.00008.
gnomAD v4.1: 14 of 1,614,026 alleles (0.00087%); highest among the groups gnomAD compares: East Asian, 0.0089%; no homozygotes.

Submissions (2):

Labcorp Genetics (formerly Invitae), Labcorp
Classification: Likely benign for Wilson disease. Last evaluated: 2025-12-21. Review status: criteria provided, single submitter. Criteria: Invitae Variant Classification Sherloc (09022015). Collection method: clinical testing. Allele origin: germline.

All of Us Research Program, National Institutes of Health
Classification: Likely benign for Wilson disease. Last evaluated: 2024-04-16. Review status: criteria provided, single submitter. Criteria: ACMG Guidelines, 2015. Collection method: clinical testing. Allele origin: germline. Inheritance: Autosomal recessive inheritance. Observed: 1 variant allele, 1 heterozygote.
Comment: This study involves interpretation of variants in research participants for the purpose of population health screening. Participant phenotype was not available at the time of variant classification. Additional details can be found in publication PMID: 35346344, PMCID: PMC8962531